The following is an entry in ClinVar:

NM_057175.5(NAA15):c.49A>G (p.Ile17Val)

Genes: NAA15 (N-alpha-acetyltransferase 15, NatA auxiliary subunit; plus strand), NDUFC1 (NADH:ubiquinone oxidoreductase subunit C1; minus strand). Cytogenetic location: 4q31.1.
Variant type: single nucleotide variant.
Coding change: c.49A>G on transcript NM_057175.5 (MANE Select); coding-DNA position 49, A replaced by G.
Protein change: p.Ile17Val; replaces isoleucine 17 with valine.
Molecular consequence: missense variant. On other transcripts: intron variant (4).
Genome position (GRCh38, 1-based): chr4:139,301,826, A>G. VCF-style: chr4-139301826-A-G. GRCh37 (hg19) VCF-style: chr4-140222980-A-G.
Other names: c.49A>G, p.Ile17Val (NM_001410842.1); c.-159+590T>C (NM_001184990.1); c.-163+590T>C (NM_001184987.1); c.-199+590T>C (NM_001184988.1); c.-222+590T>C (NM_001184989.2); short protein forms I17V.
Identifiers: ClinVar variation 3361610 (VCV003361610.1).
Genomic context (GRCh38, chr4:139,301,826, plus strand): 5'-GCAGCCGGAACGATGCCGGCCGTGAGCCTCCCGCCCAAGGAGAATGCGCTCTTCAAGCGG[A>G]TCTTGGTAAGTGTGAGGCTCCGGGCAAGCGGTGGGGAGGATTTAGCCGGTAACCGGGCCT-3'
Protein context (NP_476516.1, residues 7-27): PPKENALFKR[Ile17Val]LRCYEHKQYR

ClinVar aggregate classification (germline): Uncertain significance (1 of 4 stars; one submission).

Submission:

GeneDx
Classification: Uncertain significance. Last evaluated: 2023-07-27. Review status: criteria provided, single submitter. Criteria: GeneDx Variant Classification Process June 2021. Collection method: clinical testing. Allele origin: germline. Affected: yes.
Comment: Not observed at significant frequency in large population cohorts (gnomAD); In silico analysis supports that this missense variant does not alter protein structure/function; Has not been previously published as pathogenic or benign to our knowledge